The following is an entry in ClinVar:

ClinVar aggregate classification (germline): Likely benign (1 of 4 stars; one submission).

gnomAD v4.1: 294 of 1,587,518 alleles (0.019%); highest among the groups gnomAD compares: South Asian, 0.24%; 35 homozygotes.

Submission:

CeGaT Center for Human Genetics Tuebingen
Classification: Likely benign. Last evaluated: 2025-09-01. Review status: criteria provided, single submitter. Criteria: CeGaT Center For Human Genetics Tuebingen Variant Classification Criteria Version 2. Collection method: clinical testing. Allele origin: germline. Affected: yes. Observed: 1 variant allele.
Comment: DMBT1: BP4, BS2

NM_001377530.1(DMBT1):c.2147C>T (p.Ser716Leu)

Gene: DMBT1 (deleted in malignant brain tumors 1; plus strand). Cytogenetic location: 10q26.13.
Variant type: single nucleotide variant.
Coding change: c.2147C>T on transcript NM_001377530.1 (MANE Select); coding-DNA position 2147, C replaced by T.
Protein change: p.Ser716Leu; replaces serine 716 with leucine.
Molecular consequence: missense variant. On other transcripts: intron variant (1).
Genome position (GRCh38, 1-based): chr10:122,591,488, C>T. VCF-style: chr10-122591488-C-T. GRCh37 (hg19) VCF-style: chr10-124351004-C-T.
Other names: c.2147C>T, p.Ser716Leu (NM_001320644.2, NM_007329.3); c.2117C>T, p.Ser706Leu (NM_017579.3); c.1421-6486C>T (NM_004406.3); short protein forms S706L, S716L.
Identifiers: ClinVar variation 4281150 (VCV004281150.7).
Genomic context (GRCh38, chr10:122,591,488, plus strand): 5'-CTTTTCTCCCTCAACTTTAATTCTAGCCTTTGTCTTTGTTGCAATTTACAGACACGTTGT[C>T]GACCATCACGTTACCTCCATCGACAGTAGGTAAATAATCCTCTCACCCCTCCCTAGGGCT-3'
Protein context (NP_001364459.1, residues 706-726): SRSTPRPDTL[Ser716Leu]TITLPPSTVG